The following is an entry in ClinVar:

NM_001318525.2(TRAPPC2L):c.350A>G (p.Asn117Ser)

Gene: TRAPPC2L (trafficking protein particle complex subunit 2L; plus strand). Cytogenetic location: 16q24.3.
Variant type: single nucleotide variant.
Coding change: c.350A>G on transcript NM_001318525.2 (MANE Select); coding-DNA position 350, A replaced by G.
Protein change: p.Asn117Ser; replaces asparagine 117 with serine.
Molecular consequence: missense variant. On other transcripts: non-coding transcript variant (2).
Genome position (GRCh38, 1-based): chr16:88,859,948, A>G. VCF-style: chr16-88859948-A-G. GRCh37 (hg19) VCF-style: chr16-88926356-A-G.
Other names: c.350A>G, p.Asn117Ser (NM_001318524.2, NM_016209.5); c.320A>G, p.Asn107Ser (NM_001318526.2); c.257A>G, p.Asn86Ser (NM_001318527.2, NM_001318529.2, NM_001318532.2); c.260A>G, p.Asn87Ser (NM_001318528.2, NM_001318530.2); short protein forms N86S, N107S, N87S, N117S.
Identifiers: ClinVar variation 1030538 (VCV001030538.3), dbSNP rs1392968102, ClinGen allele CA397108385.

ClinVar aggregate classification (germline): Uncertain significance. Review status: criteria provided, multiple submitters, no conflicts (2 of 4 stars). 2 submissions from 2 submitters: Uncertain significance (2). Last evaluated 2022-04-06.

Conditions:
Encephalopathy, progressive, early-onset, with episodic rhabdomyolysis. Identifiers: MedGen C5193033, MONDO:0032681, OMIM 618331.

Allele frequency attached by ClinVar (database versions not stated): gnomAD exomes below 0.00001; TOPMed 0.00001; gnomAD 0.00002.

Submissions (2):

Ambry Genetics
Classification: Uncertain significance. Last evaluated: 2022-04-06. Review status: criteria provided, single submitter. Criteria: Ambry Variant Classification Scheme 2023. Collection method: clinical testing. Allele origin: germline.

Baylor Genetics
Classification: Uncertain significance for Encephalopathy, progressive, early-onset, with episodic rhabdomyolysis. Last evaluated: 2019-09-02. Review status: criteria provided, single submitter. Criteria: ACMG Guidelines, 2015. Collection method: clinical testing. Allele origin: unknown. Affected: yes.
Comment: This variant was determined to be of uncertain significance according to ACMG Guidelines, 2015 [PMID:25741868].